The following is an entry in ClinVar:

ClinVar aggregate classification (germline): Benign/Likely benign. Review status: criteria provided, multiple submitters, no conflicts (2 of 4 stars). 3 submissions from 3 submitters: Benign (1); Likely benign (2). Last evaluated 2024-09-25.

Conditions:
Familial melanoma. Also called: Hereditary melanoma; Hereditary cutaneous melanoma. Identifiers: Orphanet 618, MedGen C1512419, MONDO:0018961.
Hereditary cancer-predisposing syndrome. Also called: Tumor predisposition; Hereditary neoplastic syndrome; Hereditary Cancer Syndrome; Neoplastic Syndromes, Hereditary. Identifiers: Orphanet 140162, MedGen C0027672, MeSH D009386, MONDO:0015356.
Melanoma, cutaneous malignant, susceptibility to, 3. Also called: Cutaneous malignant melanoma 3. Identifiers: Orphanet 618, MedGen C1836892, MONDO:0012183, OMIM 609048.

Submissions (3):

Myriad Genetics, Inc.
Classification: Benign for Melanoma, cutaneous malignant, susceptibility to, 3. Last evaluated: 2024-09-25. Review status: criteria provided, single submitter. Criteria: Myriad Autosomal Dominant, Autosomal Recessive and X-Linked Classification Criteria (2023). Collection method: clinical testing. Allele origin: unknown.
Comment: This variant is considered benign. This variant is a silent/synonymous amino acid change and it is not expected to impact splicing.

Labcorp Genetics (formerly Invitae), Labcorp
Classification: Likely benign for Familial melanoma. Last evaluated: 2022-11-12. Review status: criteria provided, single submitter. Criteria: Invitae Variant Classification Sherloc (09022015). Collection method: clinical testing. Allele origin: germline.

Ambry Genetics
Classification: Likely benign for Hereditary cancer-predisposing syndrome. Last evaluated: 2017-12-19. Review status: criteria provided, single submitter. Criteria: Ambry Variant Classification Scheme 2023. Collection method: clinical testing. Allele origin: germline.

NM_000075.4(CDK4):c.513T>C (p.Leu171=)

Gene: CDK4 (cyclin dependent kinase 4; minus strand). Cytogenetic location: 12q14.1.
Variant type: single nucleotide variant.
Coding change: c.513T>C on transcript NM_000075.4 (MANE Select); coding-DNA position 513, T replaced by C.
Protein change: p.Leu171=; no amino-acid change (leucine 171 retained).
Molecular consequence: synonymous variant.
Genome position (GRCh38, 1-based): chr12:57,750,932, A>G on the plus strand (T>C on the coding strand, the complement: CDK4 is on the minus strand). VCF-style: chr12-57750932-A-G. GRCh37 (hg19) VCF-style: chr12-58144715-A-G.
Identifiers: ClinVar variation 792593 (VCV000792593.14), dbSNP rs748319770, ClinGen allele CA480404364.